The following is an entry in ClinVar:

ClinVar aggregate classification (germline): Pathogenic (1 of 4 stars; one submission).

Submission:

Labcorp Genetics (formerly Invitae), Labcorp
Classification: Pathogenic. Last evaluated: 2024-08-06. Review status: criteria provided, single submitter. Criteria: Invitae Variant Classification Sherloc (09022015). Collection method: clinical testing. Allele origin: germline.
Comment: This sequence change creates a premature translational stop signal (p.Glu92Alafs*3) in the C9 gene. It is expected to result in an absent or disrupted protein product. Loss-of-function variants in C9 are known to be pathogenic (PMID: 9144525, 9570574). This variant is not present in population databases (gnomAD no frequency). This variant has not been reported in the literature in individuals affected with C9-related conditions. For these reasons, this variant has been classified as Pathogenic.

Literature cited by the submitters: PubMed 9144525; PubMed 9570574.

NM_001737.5(C9):c.275_276del (p.Glu92fs)

Gene: C9 (complement C9; minus strand). Cytogenetic location: 5p13.1.
Variant type: Microsatellite.
Coding change: c.275_276del on transcript NM_001737.5 (MANE Select); coding-DNA positions 275 to 276, 2 bases deleted (AG; older notation c.275_276delAG).
Protein change: p.Glu92fs; shifts the reading frame from glutamic acid 92.
Molecular consequence: frameshift variant.
Genome position (GRCh38, 1-based): chr5:39,341,608-39,341,609, CT deleted on the plus strand (AG on the coding strand, the reverse complement: C9 is on the minus strand); deleting any 2 consecutive bases within chr5:39,341,608-39,341,611 gives the same sequence; the c. name uses the placement nearest the transcript's 3' end. VCF-style (leftmost placement, unchanged base first): chr5-39341607-GCT-G. GRCh37 (hg19) VCF-style: chr5-39341709-GCT-G.
Other names: short protein forms E92fs.
Identifiers: ClinVar variation 3645357 (VCV003645357.2).